The following is an entry in ClinVar:

NM_024642.5(GALNT12):c.1048G>C (p.Gly350Arg)

Gene: GALNT12 (polypeptide N-acetylgalactosaminyltransferase 12; plus strand). Cytogenetic location: 9q22.33.
Variant type: single nucleotide variant.
Coding change: c.1048G>C on transcript NM_024642.5 (MANE Select); coding-DNA position 1048, G replaced by C.
Protein change: p.Gly350Arg; replaces glycine 350 with arginine.
Molecular consequence: missense variant.
Genome position (GRCh38, 1-based): chr9:98,836,984, G>C. VCF-style: chr9-98836984-G-C. GRCh37 (hg19) VCF-style: chr9-101599266-G-C.
Other names: short protein forms G350R.
Identifiers: ClinVar variation 653623 (VCV000653623.17), dbSNP rs1040733256, ClinGen allele CA196827461.
Genomic context (GRCh38, chr9:98,836,984, plus strand): 5'-AGCTCATCCCCTGCTCACCACCTGGCCTCTCCTTTTCTCTGTGTGCAGATCTGGCAGTGT[G>C]GTGGGGTTCTGGAAACACACCCATGTTCCCATGTTGGCCATGTTTTCCCCAAGCAAGCTC-3'
Protein context (NP_078918.3, residues 340-360): LEFSFRIWQC[Gly350Arg]GVLETHPCSH

ClinVar aggregate classification (germline): Uncertain significance. Review status: criteria provided, multiple submitters, no conflicts (2 of 4 stars). 4 submissions from 4 submitters: Uncertain significance (4). Last evaluated 2024-08-12.

Conditions:
Colorectal cancer, susceptibility to, 1. Also called: COLORECTAL ADENOMA AND CANCER, SUSCEPTIBILITY TO; COLORECTAL CANCER, SUSCEPTIBILITY TO, ON CHROMOSOME 9. Identifiers: MedGen C1837315, MONDO:0012132, OMIM 608812.

Allele frequency attached by ClinVar (database versions not stated): gnomAD 0.00002; gnomAD exomes 0.00002 and 0.00004; TOPMed 0.00002.
gnomAD v4.1: 66 of 1,613,998 alleles (0.0041%); highest among the groups gnomAD compares: Non-Finnish European, 0.0047%; no homozygotes.

Submissions (4):

Labcorp Genetics (formerly Invitae), Labcorp
Classification: Uncertain significance. Last evaluated: 2024-08-12. Review status: criteria provided, single submitter. Criteria: Invitae Variant Classification Sherloc (09022015). Collection method: clinical testing. Allele origin: germline.
Comment: This sequence change replaces glycine, which is neutral and non-polar, with arginine, which is basic and polar, at codon 350 of the GALNT12 protein (p.Gly350Arg). This variant is present in population databases (no rsID available, gnomAD 0.004%). This variant has not been reported in the literature in individuals affected with GALNT12-related conditions. ClinVar contains an entry for this variant (Variation ID: 653623). Advanced modeling of protein sequence and biophysical properties (such as structural, functional, and spatial information, amino acid conservation, physicochemical variation, residue mobility, and thermodynamic stability) has been performed at Invitae for this missense variant, however the output from this modeling did not meet the statistical confidence thresholds required to predict the impact of this variant on GALNT12 protein function. In summary, the available evidence is currently insufficient to determine the role of this variant in disease. Therefore, it has been classified as a Variant of Uncertain Significance.

Department of Pathology and Laboratory Medicine, Sinai Health System
Classification: Uncertain significance for Colorectal cancer, susceptibility to, 1. Last evaluated: 2024-08-08. Review status: criteria provided, single submitter. Criteria: ACMG Guidelines, 2015. Collection method: clinical testing. Allele origin: germline.

Ambry Genetics
Classification: Uncertain significance. Last evaluated: 2024-03-30. Review status: criteria provided, single submitter. Criteria: Ambry Variant Classification Scheme 2023. Collection method: clinical testing. Allele origin: germline.
Comment: The p.G350R variant (also known as c.1048G>C), located in coding exon 6 of the GALNT12 gene, results from a G to C substitution at nucleotide position 1048. The glycine at codon 350 is replaced by arginine, an amino acid with dissimilar properties. This amino acid position is highly conserved in available vertebrate species. In addition, this alteration is predicted to be deleterious by in silico analysis. The evidence for this gene-disease relationship is limited; therefore, the clinical significance of this alteration is unclear.

Baylor Genetics
Classification: Uncertain significance for Colorectal cancer, susceptibility to, 1. Last evaluated: 2023-11-17. Review status: criteria provided, single submitter. Criteria: ACMG Guidelines, 2015. Collection method: clinical testing. Allele origin: unknown.